The following is an entry in ClinVar:

ClinVar aggregate classification (germline): Likely benign. Review status: criteria provided, multiple submitters, no conflicts (2 of 4 stars). 5 submissions from 5 submitters: Likely benign (4). 1 of the submissions does not count toward it. Last evaluated 2026-01-28.

Conditions:
RYR1-related disorder. Also called: RYR1-related disorders; RYR1-related condition. Identifiers: MedGen CN239331.
Malignant hyperthermia, susceptibility to, 1 (MHS1). Also called: Malignant hyperthermia suceptibility 1; Anesthesia related hyperthermia; Malignant hyperpyrexia; Fulminating hyperpyrexia; Pharmacogenic myopathy; RYR1-Related Malignant Hyperthermia Susceptibility. Identifiers: Orphanet 423, MedGen C2930980, MONDO:0007783, OMIM 145600.

Allele frequency attached by ClinVar (database versions not stated): ExAC 0.00017; gnomAD 0.00043 and 0.00044; TOPMed 0.00054; ESP Exome Variant Server 0.00092; 1000 Genomes Project 30x 0.00109; 1000 Genomes Project 0.00120.
gnomAD v4.1: 148 of 1,613,860 alleles (0.0092%); highest among the groups gnomAD compares: African/African-American, 0.15%; no homozygotes.

Submissions (5):

Labcorp Genetics (formerly Invitae), Labcorp
Classification: Likely benign for RYR1-related disorder. Last evaluated: 2026-01-28. Review status: criteria provided, single submitter. Criteria: Invitae Variant Classification Sherloc (09022015). Collection method: clinical testing. Allele origin: germline.

All of Us Research Program, National Institutes of Health
Classification: Likely benign for Malignant hyperthermia, susceptibility to, 1. Last evaluated: 2024-02-05. Review status: criteria provided, single submitter. Criteria: ACMG Guidelines, 2015. Collection method: clinical testing. Allele origin: germline. Inheritance: Autosomal dominant inheritance. Observed: 25 variant alleles, 25 heterozygotes.
Comment: This study involves interpretation of variants in research participants for the purpose of population health screening. Participant phenotype was not available at the time of variant classification. Additional details can be found in publication PMID: 35346344, PMCID: PMC8962531

Blueprint Genetics
Classification: Likely benign. Last evaluated: 2023-10-24. Review status: criteria provided, single submitter. Criteria: ACMG Guidelines, 2015. Collection method: clinical testing. Allele origin: germline.

Color Diagnostics, LLC DBA Color Health
Classification: Likely benign for Malignant hyperthermia, susceptibility to, 1. Last evaluated: 2022-11-06. Review status: criteria provided, single submitter. Criteria: ACMG Guidelines, 2015. Collection method: clinical testing. Allele origin: germline.

PreventionGenetics, part of Exact Sciences
Classification: Likely benign for RYR1-related condition. Last evaluated: 2019-04-04. Review status: no assertion criteria provided. Collection method: clinical testing. Allele origin: germline. Not counted in ClinVar's aggregate classification.
Comment: This variant is classified as likely benign based on ACMG/AMP sequence variant interpretation guidelines (Richards et al. 2015 PMID: 25741868, with internal and published modifications).

NM_000540.3(RYR1):c.6585G>A (p.Pro2195=)

Gene: RYR1 (ryanodine receptor 1; plus strand). Cytogenetic location: 19q13.2.
Variant type: single nucleotide variant.
Coding change: c.6585G>A on transcript NM_000540.3 (MANE Select); coding-DNA position 6585, G replaced by A.
Protein change: p.Pro2195=; no amino-acid change (proline 2195 retained).
Molecular consequence: synonymous variant.
Genome position (GRCh38, 1-based): chr19:38,496,251, G>A. VCF-style: chr19-38496251-G-A. GRCh37 (hg19) VCF-style: chr19-38986891-G-A.
Other names: c.6585G>A, p.Pro2195= (NM_001042723.2).
Identifiers: ClinVar variation 699486 (VCV000699486.15), dbSNP rs140729728, ClinGen allele CA068447.
Genomic context (GRCh38, chr19:38,496,251, plus strand): 5'-CCCGCACACTCTGCCCGTGCACAGGAACATCATGAACAACAAAGTCTTCTACCAACACCC[G>A]AACCTGATGAGGGCGCTGGGCATGCACGAGACGGTCATGGAGGTCATGGTCAACGTCCTC-3'
Protein context (NP_000531.2, residues 2185-2205): IMNNKVFYQH[Pro2195=]NLMRALGMHE